The following is an entry in ClinVar:

ClinVar aggregate classification (germline): Uncertain significance (1 of 4 stars; one submission).

Submission:

Labcorp Genetics (formerly Invitae), Labcorp
Classification: Uncertain significance. Last evaluated: 2020-11-10. Review status: criteria provided, single submitter. Criteria: Invitae Variant Classification Sherloc (09022015). Collection method: clinical testing. Allele origin: germline.
Comment: Algorithms developed to predict the effect of missense changes on protein structure and function output the following: SIFT: "Tolerated"; PolyPhen-2: "Benign"; Align-GVGD: "Class C0". The aspartic acid amino acid residue is found in multiple mammalian species, suggesting that this missense change does not adversely affect protein function. These predictions have not been confirmed by published functional studies and their clinical significance is uncertain. This variant has not been reported in the literature in individuals with ERBB2-related conditions. This variant is not present in population databases (ExAC no frequency). This sequence change replaces asparagine with aspartic acid at codon 68 of the ERBB2 protein (p.Asn68Asp). The asparagine residue is moderately conserved and there is a small physicochemical difference between asparagine and aspartic acid. In summary, the available evidence is currently insufficient to determine the role of this variant in disease. Therefore, it has been classified as a Variant of Uncertain Significance.

NM_004448.4(ERBB2):c.202A>G (p.Asn68Asp)

Gene: ERBB2 (erb-b2 receptor tyrosine kinase 2; plus strand). Cytogenetic location: 17q12.
Variant type: single nucleotide variant.
Coding change: c.202A>G on transcript NM_004448.4 (MANE Select); coding-DNA position 202, A replaced by G.
Protein change: p.Asn68Asp; replaces asparagine 68 with aspartic acid.
Molecular consequence: missense variant. On other transcripts: non-coding transcript variant (1), intron variant (1).
Genome position (GRCh38, 1-based): chr17:39,707,118, A>G. VCF-style: chr17-39707118-A-G. GRCh37 (hg19) VCF-style: chr17-37863371-A-G.
Other names: c.112A>G, p.Asn38Asp (NM_001005862.3, NM_001289938.2, NM_001382782.1 and 1 more transcripts); c.157A>G, p.Asn53Asp (NM_001289936.2); c.202A>G, p.Asn68Asp (NM_001289937.2, NM_001382784.1, NM_001382785.1 and 20 more transcripts); c.74-4810A>G (NM_001382804.1); short protein forms N38D, N53D, N68D.
Identifiers: ClinVar variation 1482440 (VCV001482440.8), dbSNP rs2145410338, ClinGen allele CA399271049.